The following is an entry in ClinVar:

ClinVar aggregate classification (germline): Conflicting classifications of pathogenicity. Review status: criteria provided, conflicting classifications (1 of 4 stars). 4 submissions from 4 submitters: Uncertain significance (3); Likely benign (1). Last evaluated 2025-07-14.

Conditions:
BARD1-related cancer predisposition. Identifiers: MedGen CN377756, MONDO:0700267.
Familial cancer of breast. Also called: BREAST CANCER, FAMILIAL; Hereditary breast cancer; hereditary breast carcinoma. Identifiers: Orphanet 227535, MedGen C0346153, MONDO:0016419, OMIM 114480. Disease mechanism: loss of function.
Hereditary cancer-predisposing syndrome. Also called: Tumor predisposition; Hereditary neoplastic syndrome; Hereditary Cancer Syndrome; Neoplastic Syndromes, Hereditary. Identifiers: Orphanet 140162, MedGen C0027672, MeSH D009386, MONDO:0015356.

Allele frequency attached by ClinVar (database versions not stated): gnomAD exomes below 0.00001; TOPMed 0.00003.
gnomAD v4.1: 3 of 1,613,906 alleles (0.00019%); highest among the groups gnomAD compares: Admixed American, 0.0033%; no homozygotes.

Submissions (4):

Color Diagnostics, LLC DBA Color Health
Classification: Uncertain significance for Hereditary cancer-predisposing syndrome. Last evaluated: 2025-07-14. Review status: criteria provided, single submitter. Criteria: ACMG Guidelines, 2015. Collection method: clinical testing. Allele origin: germline.
Comment: This missense variant replaces asparagine with lysine at codon 356 of the BARD1 protein. Computational prediction suggests that this variant may not impact protein structure and function. To our knowledge, functional studies have not been reported for this variant. This variant has not been reported in individuals affected with BARD1-related disorders in the literature. This variant has been identified in 1/251256 chromosomes in the general population by the Genome Aggregation Database (gnomAD). The available evidence is insufficient to determine the role of this variant in disease conclusively. Therefore, this variant is classified as a Variant of Uncertain Significance.

Labcorp Genetics (formerly Invitae), Labcorp
Classification: Uncertain significance for Familial cancer of breast. Last evaluated: 2024-08-05. Review status: criteria provided, single submitter. Criteria: Invitae Variant Classification Sherloc (09022015). Collection method: clinical testing. Allele origin: germline.
Comment: This sequence change replaces asparagine, which is neutral and polar, with lysine, which is basic and polar, at codon 356 of the BARD1 protein (p.Asn356Lys). This variant is present in population databases (no rsID available, gnomAD 0.003%). This variant has not been reported in the literature in individuals affected with BARD1-related conditions. ClinVar contains an entry for this variant (Variation ID: 936406). An algorithm developed to predict the effect of missense changes on protein structure and function (PolyPhen-2) suggests that this variant is likely to be tolerated. In summary, the available evidence is currently insufficient to determine the role of this variant in disease. Therefore, it has been classified as a Variant of Uncertain Significance.

Ambry Genetics
Classification: Likely benign for Hereditary cancer-predisposing syndrome. Last evaluated: 2024-02-26. Review status: criteria provided, single submitter. Criteria: Ambry Variant Classification Scheme 2023. Collection method: clinical testing. Allele origin: germline.

Department of Pathology and Laboratory Medicine, Sinai Health System
Classification: Uncertain significance for BARD1-related cancer predisposition. Last evaluated: 2023-10-18. Review status: criteria provided, single submitter. Criteria: ACMG Guidelines, 2015. Collection method: clinical testing. Allele origin: germline. Affected: no.

NM_000465.4(BARD1):c.1068T>A (p.Asn356Lys)

Gene: BARD1 (BRCA1 associated RING domain 1; minus strand). Cytogenetic location: 2q35.
Variant type: single nucleotide variant.
Coding change: c.1068T>A on transcript NM_000465.4 (MANE Select); coding-DNA position 1068, T replaced by A.
Protein change: p.Asn356Lys; replaces asparagine 356 with lysine.
Molecular consequence: missense variant. On other transcripts: non-coding transcript variant (2), intron variant (3).
Genome position (GRCh38, 1-based): chr2:214,780,806, A>T on the plus strand (T>A on the coding strand, the complement: BARD1 is on the minus strand). VCF-style: chr2-214780806-A-T. GRCh37 (hg19) VCF-style: chr2-215645530-A-T.
Other names: c.1011T>A, p.Asn337Lys (NM_001282543.2); c.159-28251T>A (NM_001282548.2); c.215+16255T>A (NM_001282545.2); c.364+11491T>A (NM_001282549.2); short protein forms N337K, N356K.
Identifiers: ClinVar variation 936406 (VCV000936406.14), dbSNP rs1423687196, ClinGen allele CA350454121.